The following is an entry in ClinVar:

NM_001371623.1(TCOF1):c.1637_1640del (p.Glu546fs)

Gene: TCOF1 (treacle ribosome biogenesis factor 1; plus strand). Cytogenetic location: 5q32.
Variant type: Microsatellite.
Coding change: c.1637_1640del on transcript NM_001371623.1 (MANE Select); coding-DNA positions 1637 to 1640, 4 bases deleted (AGAG; older notation c.1637_1640delAGAG).
Protein change: p.Glu546fs; shifts the reading frame from glutamic acid 546.
Molecular consequence: frameshift variant.
Genome position (GRCh38, 1-based): chr5:150,375,487-150,375,490, AGAG deleted; deleting any 4 consecutive bases within chr5:150,375,485-150,375,490 gives the same sequence; the c. name uses the placement nearest the transcript's 3' end. VCF-style (leftmost placement, unchanged base first): chr5-150375484-CAGAG-C. GRCh37 (hg19) VCF-style: chr5-149755047-CAGAG-C.
Other names: c.1637_1640delAGAG (NM_001135243.1); c.1406_1409del, p.Glu469fs (NM_000356.4, NM_001135245.2); c.1637_1640del, p.Glu546fs (NM_001008657.3, NM_001135243.2, NM_001135244.2 and 1 more transcripts); short protein forms E469fs, E546fs.
Identifiers: ClinVar variation 127080 (VCV000127080.9), dbSNP rs587776583, ClinGen allele CA269767.
Genomic context (GRCh38, chr5:150,375,484, plus strand): 5'-CACCCGGGAAGGTGGGGCCTGCAACCCCCTCAGCCCAGGTGGGGAAGTGGGAGGAGGACT[CAGAG>C]AGCAGTAGTGAGGAGTCATCAGACAGCAGTGATGGAGAGGTGCCCACAGCTGTGGCCCCG-3'

ClinVar aggregate classification (germline): Pathogenic. Review status: criteria provided, single submitter (1 of 4 stars). 2 submissions from 2 submitters: Pathogenic (1). 1 of the submissions does not count toward it. Last evaluated 2017-02-13.

Conditions:
Treacher Collins syndrome 1 (TCS1). Also called: TCOF1-Related Treacher Collins Syndrome. Identifiers: Orphanet 861, MedGen CN315775, MONDO:0007944, OMIM 154500.

Submissions (2):

Labcorp Genetics (formerly Invitae), Labcorp
Classification: Pathogenic for Treacher Collins syndrome 1. Last evaluated: 2017-02-13. Review status: criteria provided, single submitter. Criteria: Invitae Variant Classification Sherloc (09022015). Collection method: clinical testing. Allele origin: germline.
Comment: For these reasons, this variant has been classified as Pathogenic. While this particular variant has not been reported in the literature, loss-of-function variants in TCOF1 are known to be pathogenic (PMID: 22317976, 8894686). This sequence change deletes 4 nucleotides from exon 11 of the TCOF1 mRNA (c.1637_1640delAGAG), causing a frameshift at codon 546. This creates a premature translational stop signal (p.Glu546Alafs*49) and is expected to result in an absent or disrupted protein product.

OMIM
Classification: Pathogenic for TREACHER COLLINS SYNDROME 1. Last evaluated: 2013-11-01. Review status: no assertion criteria provided. Collection method: literature only. Allele origin: germline. Not counted in ClinVar's aggregate classification.

Literature cited by the submitters: PubMed 22317976 (cited by Labcorp Genetics (formerly Invitae), Labcorp); PubMed 8894686 (cited by Labcorp Genetics (formerly Invitae), Labcorp); PubMed 11013442 (cited by OMIM); PubMed 4061487 (cited by OMIM); PubMed 24108658 (cited by OMIM).